The following is an entry in ClinVar:

ClinVar aggregate classification (germline): Likely benign (1 of 4 stars; one submission).

Allele frequency attached by ClinVar (database versions not stated): gnomAD exomes 0.00083; 1000 Genomes Project 0.00679; 1000 Genomes Project 30x 0.00718; gnomAD 0.00721; TOPMed 0.00821.
gnomAD v4.1: 1,572 of 706,920 alleles (0.22%); highest among the groups gnomAD compares: African/African-American, 2.5%; 17 homozygotes.

Submission:

GeneDx
Classification: Likely benign. Last evaluated: 2022-01-28. Review status: criteria provided, single submitter. Criteria: GeneDx Variant Classification Process June 2021. Collection method: clinical testing. Allele origin: germline. Affected: yes.
Comment: See Variant Classification Assertion Criteria.

NM_001374736.1(DST):c.4831-121G>T

Gene: DST (dystonin; minus strand). Cytogenetic location: 6p12.1.
Variant type: single nucleotide variant.
Coding change: c.4831-121G>T on transcript NM_001374736.1 (MANE Select); 121 bases into the intron before coding-DNA position 4831, G replaced by T.
Molecular consequence: intron variant.
Genome position (GRCh38, 1-based): chr6:56,624,749, C>A on the plus strand (G>T on the coding strand, the complement: DST is on the minus strand). VCF-style: chr6-56624749-C-A. GRCh37 (hg19) VCF-style: chr6-56489547-C-A.
Other names: c.4732-121G>T (NM_001144769.5); c.4831-121G>T (NM_001374722.1); c.4858-121G>T (NM_001374734.1); c.4318-121G>T (NM_001144770.2); c.4198-121G>T (NM_001374730.1, NM_001386100.1, NM_183380.4 and 1 more transcripts); c.3220-121G>T (NM_015548.5, NM_001723.7).
Identifiers: ClinVar variation 1704178 (VCV001704178.2), dbSNP rs77239364, ClinGen allele CA139213149.
Genomic context (GRCh38, chr6:56,624,749, plus strand): 5'-GAATTTTGAATAATAATTACATTAACTAGGCCTTCAGACAGCAAAGCACACAACTCCCCC[C>A]ATAATAAATGATAAGAATGAGCTTATTATTACTATTATGCAAATCATGGCAAATGATAAT-3'